The following is an entry in ClinVar:

NM_001205293.3(CACNA1E):c.1078_1081del (p.Arg360fs)

Gene: CACNA1E (calcium voltage-gated channel subunit alpha1 E; plus strand). Cytogenetic location: 1q25.3.
Variant type: Microsatellite.
Coding change: c.1078_1081del on transcript NM_001205293.3 (MANE Select); coding-DNA positions 1078 to 1081, 4 bases deleted (AGAG; older notation c.1078_1081delAGAG).
Protein change: p.Arg360fs; shifts the reading frame from arginine 360.
Molecular consequence: frameshift variant.
Genome position (GRCh38, 1-based): chr1:181,710,976-181,710,979, AGAG deleted; deleting any 4 consecutive bases within chr1:181,710,966-181,710,979 gives the same sequence; the c. name uses the placement nearest the transcript's 3' end. VCF-style (leftmost placement, unchanged base first): chr1-181710965-AAGAG-A. GRCh37 (hg19) VCF-style: chr1-181680101-AAGAG-A.
Other names: c.1078_1081del, p.Arg360fs (NM_000721.4, NM_001205294.2); short protein forms R360fs.
Identifiers: ClinVar variation 2859942 (VCV002859942.3), dbSNP rs147596634, ClinGen allele CA645535582.

ClinVar aggregate classification (germline): Uncertain significance (1 of 4 stars; one submission).

Submission:

Labcorp Genetics (formerly Invitae), Labcorp
Classification: Uncertain significance. Last evaluated: 2023-04-28. Review status: criteria provided, single submitter. Criteria: Invitae Variant Classification Sherloc (09022015). Collection method: clinical testing. Allele origin: germline.
Comment: In summary, the available evidence is currently insufficient to determine the role of this variant in disease. Therefore, it has been classified as a Variant of Uncertain Significance. This variant has not been reported in the literature in individuals affected with CACNA1E-related conditions. This variant is not present in population databases (gnomAD no frequency). This sequence change creates a premature translational stop signal (p.Arg360Trpfs*8) in the CACNA1E gene. It is expected to result in an absent or disrupted protein product. However, the current clinical and genetic evidence is not sufficient to establish whether loss-of-function variants in CACNA1E cause disease.